The following is an entry in ClinVar:

ClinVar aggregate classification (germline): Uncertain significance. Review status: criteria provided, multiple submitters, no conflicts (2 of 4 stars). 2 submissions from 2 submitters: Uncertain significance (2). Last evaluated 2026-04-16.

Conditions:
Juvenile polyposis syndrome (JPS). Identifiers: Orphanet 2929, MedGen C0345893, MONDO:0017380, OMIM 174900.
Hereditary cancer-predisposing syndrome. Also called: Tumor predisposition; Neoplastic Syndromes, Hereditary; Hereditary Cancer Syndrome; Hereditary neoplastic syndrome. Identifiers: Orphanet 140162, MedGen C0027672, MeSH D009386, MONDO:0015356.

Submissions (2):

Ambry Genetics
Classification: Uncertain significance for Hereditary cancer-predisposing syndrome. Last evaluated: 2026-04-16. Review status: criteria provided, single submitter. Criteria: Ambry Variant Classification Scheme 2023. Collection method: clinical testing. Allele origin: germline.
Comment: The p.L383R variant (also known as c.1148T>G), located in coding exon 8 of the BMPR1A gene, results from a T to G substitution at nucleotide position 1148. The leucine at codon 383 is replaced by arginine, an amino acid with dissimilar properties. This amino acid position is conserved. In addition, this alteration is predicted to be deleterious by in silico analysis. Based on the available evidence, the clinical significance of this variant remains unclear.

Labcorp Genetics (formerly Invitae), Labcorp
Classification: Uncertain significance for Juvenile polyposis syndrome. Last evaluated: 2021-05-28. Review status: criteria provided, single submitter. Criteria: Invitae Variant Classification Sherloc (09022015). Collection method: clinical testing. Allele origin: germline.
Comment: Advanced modeling of protein sequence and biophysical properties (such as structural, functional, and spatial information, amino acid conservation, physicochemical variation, residue mobility, and thermodynamic stability) performed at Invitae indicates that this missense variant is expected to disrupt BMPR1A protein function. In summary, the available evidence is currently insufficient to determine the role of this variant in disease. Therefore, it has been classified as a Variant of Uncertain Significance. This variant has not been reported in the literature in individuals with BMPR1A-related conditions. This variant is not present in population databases (ExAC no frequency). This sequence change replaces leucine with arginine at codon 383 of the BMPR1A protein (p.Leu383Arg). The leucine residue is highly conserved and there is a moderate physicochemical difference between leucine and arginine.

NM_004329.3(BMPR1A):c.1148T>G (p.Leu383Arg)

Gene: BMPR1A (bone morphogenetic protein receptor type 1A; plus strand). Cytogenetic location: 10q23.2.
Variant type: single nucleotide variant.
Coding change: c.1148T>G on transcript NM_004329.3 (MANE Select); coding-DNA position 1148, T replaced by G.
Protein change: p.Leu383Arg; replaces leucine 383 with arginine.
Molecular consequence: missense variant.
Genome position (GRCh38, 1-based): chr10:86,919,451, T>G. VCF-style: chr10-86919451-T-G. GRCh37 (hg19) VCF-style: chr10-88679208-T-G.
Other names: c.1148T>G (NM_004329.2); short protein forms L383R.
Identifiers: ClinVar variation 1494332 (VCV001494332.10), dbSNP rs2133594103, ClinGen allele CA377461277.